The following is an entry in ClinVar:

NM_006949.4(STXBP2):c.1687G>A (p.Val563Met)

Gene: STXBP2 (syntaxin binding protein 2; plus strand). Cytogenetic location: 19p13.2.
Variant type: single nucleotide variant.
Coding change: c.1687G>A on transcript NM_006949.4 (MANE Select); coding-DNA position 1687, G replaced by A.
Protein change: p.Val563Met; replaces valine 563 with methionine.
Molecular consequence: missense variant. On other transcripts: non-coding transcript variant (1).
Genome position (GRCh38, 1-based): chr19:7,647,502, G>A. VCF-style: chr19-7647502-G-A. GRCh37 (hg19) VCF-style: chr19-7712388-G-A.
Other names: c.1678G>A, p.Val560Met (NM_001127396.3); c.1720G>A, p.Val574Met (NM_001272034.2); short protein forms V563M, V560M, V574M.
Identifiers: ClinVar variation 1449911 (VCV001449911.6), dbSNP rs1310801774, ClinGen allele CA403162228.
Genomic context (GRCh38, chr19:7,647,502, plus strand): 5'-GCCATGTCAGAGATGAGGGCCGCCTACGAGGTGACCAGGGCCACCGAGGGCAAGTGGGAG[G>A]TGCTCATTGGTAAGTCACCAGGACTGGGACCCTGGGGTCTGGGGCTTGGGTTCCCGGGGC-3'
Protein context (NP_008880.2, residues 553-573): VTRATEGKWE[Val563Met]LIGSSHILTP

ClinVar aggregate classification (germline): Uncertain significance (1 of 4 stars; one submission).

Conditions:
Familial hemophagocytic lymphohistiocytosis 5. Also called: STXBP2-Related Familial Hemophagocytic Lymphohistiocytosis (STXBP2-fHLH). Identifiers: Orphanet 540, MedGen C2751293, MONDO:0013135, OMIM 613101.

gnomAD v4.1: 11 of 1,597,348 alleles (0.00069%); highest among the groups gnomAD compares: Non-Finnish European, 0.00094%; no homozygotes.

Submission:

Labcorp Genetics (formerly Invitae), Labcorp
Classification: Uncertain significance for Familial hemophagocytic lymphohistiocytosis 5. Last evaluated: 2025-10-21. Review status: criteria provided, single submitter. Criteria: Invitae Variant Classification Sherloc (09022015). Collection method: clinical testing. Allele origin: germline.
Comment: This sequence change replaces valine, which is neutral and non-polar, with methionine, which is neutral and non-polar, at codon 563 of the STXBP2 protein (p.Val563Met). This variant is present in population databases (no rsID available, gnomAD 0.0009%). This variant has not been reported in the literature in individuals affected with STXBP2-related conditions. ClinVar contains an entry for this variant (Variation ID: 1449911). Invitae Evidence Modeling of protein sequence and biophysical properties (such as structural, functional, and spatial information, amino acid conservation, physicochemical variation, residue mobility, and thermodynamic stability) has been performed for this missense variant. However, the output from this modeling did not meet the statistical confidence thresholds required to predict the impact of this variant on STXBP2 protein function. In summary, the available evidence is currently insufficient to determine the role of this variant in disease. Therefore, it has been classified as a Variant of Uncertain Significance.